The following is an entry in ClinVar:

NM_000038.6(APC):c.7358GAA[1] (p.Arg2454del)

Gene: APC (APC regulator of Wnt signaling pathway; plus strand). Cytogenetic location: 5q22.2.
Variant type: Microsatellite.
Coding change: c.7358GAA[1] on transcript NM_000038.6 (MANE Select); one copy of the 3-base unit GAA starting at c.7358; the reference has two copies in a row; one copy, 3 bases deleted; also written c.7361_7363del.
Protein change: p.Arg2454del; deletes arginine 2454.
Molecular consequence: inframe deletion.
Genome position (GRCh38, 1-based): chr5:112,842,955-112,842,957, GAA deleted; deleting any 3 consecutive bases within chr5:112,842,950-112,842,957 gives the same sequence; the position shown is the placement nearest the transcript's 3' end. VCF-style (leftmost placement, unchanged base first): chr5-112842949-TAAG-T. GRCh37 (hg19) VCF-style: chr5-112178646-TAAG-T.
Other names: c.7361_7363del (NM_000038.6, NM_000038.5); c.7358GAA[1], p.Arg2454del (NM_001127510.3, NM_001354895.2); c.7304GAA[1], p.Arg2436del (NM_001127511.3); c.7412GAA[1], p.Arg2472del (NM_001354896.2); c.7388GAA[1], p.Arg2464del (NM_001354897.2); c.7283GAA[1], p.Arg2429del (NM_001354898.2); c.7274GAA[1], p.Arg2426del (NM_001354899.2); c.7235GAA[1], p.Arg2413del (NM_001354900.2); and 6 more; short protein forms R2454del, R2436del, R2294del, R2426del, R2429del, R2328del, R2395del, R2464del.
Identifiers: ClinVar variation 537461 (VCV000537461.17), dbSNP rs1291144227, ClinGen allele CA658796572.
Genomic context (GRCh38, chr5:112,842,949, plus strand): 5'-CAGAAAGACCTGTATTAGTACGCCAGTCAACTTTCATCAAAGAAGCTCCAAGCCCAACCT[TAAG>T]AAGAAAATTGGAGGAATCTGCTTCATTTGAATCTCTTTCTCCATCATCTAGACCAGCTTC-3'

ClinVar aggregate classification (germline): Uncertain significance. Review status: criteria provided, multiple submitters, no conflicts (2 of 4 stars). 3 submissions from 3 submitters: Uncertain significance (3). Last evaluated 2023-10-06.

Conditions:
Classic or attenuated familial adenomatous polyposis. Identifiers: MedGen CN372698, MONDO:0021057.
Familial adenomatous polyposis 1 (FAP1). Also called: FAMILIAL ADENOMATOUS POLYPOSIS 1, ATTENUATED; POLYPOSIS, ADENOMATOUS INTESTINAL. Identifiers: MedGen C2713442, MONDO:0021056, OMIM 175100. Disease mechanism: loss of function.
Hereditary cancer-predisposing syndrome. Also called: Tumor predisposition; Hereditary Cancer Syndrome; Hereditary neoplastic syndrome; Neoplastic Syndromes, Hereditary. Identifiers: Orphanet 140162, MedGen C0027672, MeSH D009386, MONDO:0015356.

Submissions (3):

All of Us Research Program, National Institutes of Health
Classification: Uncertain significance for Classic or attenuated familial adenomatous polyposis. Last evaluated: 2023-10-06. Review status: criteria provided, single submitter. Criteria: ACMG Guidelines, 2015. Collection method: clinical testing. Allele origin: germline. Inheritance: Autosomal dominant inheritance. Observed: 2 variant alleles, 2 heterozygotes.
Comment: This variant causes an in-frame deletion of one amino acid at codon 2454 in the APC protein. Splice site prediction tools suggest that this variant may not impact RNA splicing. To our knowledge, functional studies have not been performed for this variant. This variant has not been reported in individuals affected with hereditary cancer in the literature. This variant has not been identified in the general population by the Genome Aggregation Database (gnomAD). The available evidence is insufficient to determine the role of this variant in disease conclusively. Therefore, this variant is classified as a Variant of Uncertain Significance.

This study involves interpretation of variants in research participants for the purpose of population health screening. Participant phenotype was not available at the time of variant classification. Additional details can be found in publication PMID: 35346344, PMCID: PMC8962531

Color Diagnostics, LLC DBA Color Health
Classification: Uncertain significance for Hereditary cancer-predisposing syndrome. Last evaluated: 2023-08-10. Review status: criteria provided, single submitter. Criteria: ACMG Guidelines, 2015. Collection method: clinical testing. Allele origin: germline.
Comment: This variant causes an in-frame deletion of one amino acid at exon 16 of the APC protein. To our knowledge, functional studies have not been reported for this variant. This variant has not been reported in individuals affected with APC-related disorders in the literature. This variant has not been identified in the general population by the Genome Aggregation Database (gnomAD). The available evidence is insufficient to determine the role of this variant in disease conclusively. Therefore, this variant is classified as a Variant of Uncertain Significance.

Labcorp Genetics (formerly Invitae), Labcorp
Classification: Uncertain significance for Familial adenomatous polyposis 1. Last evaluated: 2022-10-17. Review status: criteria provided, single submitter. Criteria: Invitae Variant Classification Sherloc (09022015). Collection method: clinical testing. Allele origin: germline.
Comment: This variant has not been reported in the literature in individuals affected with APC-related conditions. In summary, the available evidence is currently insufficient to determine the role of this variant in disease. Therefore, it has been classified as a Variant of Uncertain Significance. Experimental studies and prediction algorithms are not available or were not evaluated, and the functional significance of this variant is currently unknown. ClinVar contains an entry for this variant (Variation ID: 537461). This variant is not present in population databases (gnomAD no frequency). This variant, c.7361_7363del, results in the deletion of 1 amino acid(s) of the APC protein (p.Arg2454del), but otherwise preserves the integrity of the reading frame.